The following is an entry in ClinVar:

NM_000719.7(CACNA1C):c.2633G>T (p.Ser878Ile)

Gene: CACNA1C (calcium voltage-gated channel subunit alpha1 C; plus strand). Cytogenetic location: 12p13.33.
Variant type: single nucleotide variant.
Coding change: c.2633G>T on transcript NM_000719.7 (MANE Select); coding-DNA position 2633, G replaced by T.
Protein change: p.Ser878Ile; replaces serine 878 with isoleucine.
Molecular consequence: missense variant.
Genome position (GRCh38, 1-based): chr12:2,593,315, G>T. VCF-style: chr12-2593315-G-T. GRCh37 (hg19) VCF-style: chr12-2702481-G-T.
Other names: c.2633G>T, p.Ser878Ile (NM_001129827.2, NM_001129829.2, NM_001129830.3 and 18 more transcripts); c.2624G>T, p.Ser875Ile (NM_001129844.2); short protein forms S878I, S875I.
Identifiers: ClinVar variation 581346 (VCV000581346.9), dbSNP rs1060503446, ClinGen allele CA383372278.

ClinVar aggregate classification (germline): Uncertain significance (1 of 4 stars; one submission).

Conditions:
Long QT syndrome (LQTS). Identifiers: MedGen C0023976, MeSH D008133, MONDO:0002442. Disease mechanism: loss of function. Inheritance: Various modes of inheritance.

Submission:

Labcorp Genetics (formerly Invitae), Labcorp
Classification: Uncertain significance for Long QT syndrome. Last evaluated: 2023-07-14. Review status: criteria provided, single submitter. Criteria: Invitae Variant Classification Sherloc (09022015). Collection method: clinical testing. Allele origin: germline.
Comment: In summary, the available evidence is currently insufficient to determine the role of this variant in disease. Therefore, it has been classified as a Variant of Uncertain Significance. Advanced modeling of protein sequence and biophysical properties (such as structural, functional, and spatial information, amino acid conservation, physicochemical variation, residue mobility, and thermodynamic stability) performed at Invitae indicates that this missense variant is expected to disrupt CACNA1C protein function. ClinVar contains an entry for this variant (Variation ID: 581346). This variant has not been reported in the literature in individuals affected with CACNA1C-related conditions. This variant is not present in population databases (gnomAD no frequency). This sequence change replaces serine, which is neutral and polar, with isoleucine, which is neutral and non-polar, at codon 878 of the CACNA1C protein (p.Ser878Ile).